The following is an entry in ClinVar:

ClinVar aggregate classification (germline): Uncertain significance. Review status: criteria provided, multiple submitters, no conflicts (2 of 4 stars). 2 submissions from 2 submitters: Uncertain significance (2). Last evaluated 2025-08-25.

Conditions:
Inborn genetic diseases. Identifiers: MedGen C0950123, MeSH D030342.

Allele frequency attached by ClinVar (database versions not stated): gnomAD 0.00002; ExAC 0.00005; TOPMed 0.00006; ESP Exome Variant Server 0.00038.
gnomAD v4.1: 37 of 1,612,386 alleles (0.0023%); highest among the groups gnomAD compares: African/African-American, 0.013%; no homozygotes.

Submissions (2):

Labcorp Genetics (formerly Invitae), Labcorp
Classification: Uncertain significance. Last evaluated: 2025-08-25. Review status: criteria provided, single submitter. Criteria: Invitae Variant Classification Sherloc (09022015). Collection method: clinical testing. Allele origin: germline.
Comment: This sequence change replaces arginine, which is basic and polar, with tryptophan, which is neutral and slightly polar, at codon 2946 of the DNAH9 protein (p.Arg2946Trp). This variant is present in population databases (rs138501592, gnomAD 0.02%). This variant has not been reported in the literature in individuals affected with DNAH9-related conditions. ClinVar contains an entry for this variant (Variation ID: 2182454). Invitae Evidence Modeling of protein sequence and biophysical properties (such as structural, functional, and spatial information, amino acid conservation, physicochemical variation, residue mobility, and thermodynamic stability) indicates that this missense variant is not expected to disrupt DNAH9 protein function with a negative predictive value of 80%. In summary, the available evidence is currently insufficient to determine the role of this variant in disease. Therefore, it has been classified as a Variant of Uncertain Significance.

Ambry Genetics
Classification: Uncertain significance for Inborn genetic diseases. Last evaluated: 2024-01-08. Review status: criteria provided, single submitter. Criteria: Ambry Variant Classification Scheme 2023. Collection method: clinical testing. Allele origin: germline.

NM_001372.4(DNAH9):c.8836C>T (p.Arg2946Trp)

Gene: DNAH9 (dynein axonemal heavy chain 9; plus strand). Cytogenetic location: 17p12.
Variant type: single nucleotide variant.
Coding change: c.8836C>T on transcript NM_001372.4 (MANE Select); coding-DNA position 8836, C replaced by T.
Protein change: p.Arg2946Trp; replaces arginine 2946 with tryptophan.
Molecular consequence: missense variant.
Genome position (GRCh38, 1-based): chr17:11,822,048, C>T. VCF-style: chr17-11822048-C-T. GRCh37 (hg19) VCF-style: chr17-11725365-C-T.
Other names: c.8836C>T (NM_001372.3); short protein forms R2946W.
Identifiers: ClinVar variation 2182454 (VCV002182454.3), dbSNP rs138501592, ClinGen allele CA8397048.